The following is an entry in ClinVar:

ClinVar aggregate classification (germline): Uncertain significance (1 of 4 stars; one submission).

Submission:

GeneDx
Classification: Uncertain significance. Last evaluated: 2024-08-01. Review status: criteria provided, single submitter. Criteria: GeneDx Variant Classification Process June 2021. Collection method: clinical testing. Allele origin: germline. Affected: yes.
Comment: Not observed at significant frequency in large population cohorts (gnomAD); In silico analysis supports that this missense variant has a deleterious effect on protein structure/function; Has not been previously published as pathogenic or benign to our knowledge

NM_001378183.1(PIEZO2):c.1832A>G (p.Glu611Gly)

Gene: PIEZO2 (piezo type mechanosensitive ion channel component 2; minus strand). Cytogenetic location: 18p11.22.
Variant type: single nucleotide variant.
Coding change: c.1832A>G on transcript NM_001378183.1 (MANE Select); coding-DNA position 1832, A replaced by G.
Protein change: p.Glu611Gly; replaces glutamic acid 611 with glycine.
Molecular consequence: missense variant.
Genome position (GRCh38, 1-based): chr18:10,791,251, T>C on the plus strand (A>G on the coding strand, the complement: PIEZO2 is on the minus strand). VCF-style: chr18-10791251-T-C. GRCh37 (hg19) VCF-style: chr18-10791249-T-C.
Other names: c.1832A>G, p.Glu611Gly (NM_001410871.1, NM_022068.4); short protein forms E611G.
Identifiers: ClinVar variation 3603043 (VCV003603043.1).
Genomic context (GRCh38, chr18:10,791,251, plus strand): 5'-ACTAATTTACCTTTTTCTTCATTTTCCTGACTGCCAATTTTGACTTCCGATAAAAGAGCT[T>C]CCTTTTCTTGCAGAGCTTTTTGCTCTGTGAGGTGCTGCCTCAGCAGTAGCCAAAAAGTAA-3'
Protein context (NP_001365112.1, residues 601-621): LTEQKALQEK[Glu611Gly]ALLSEVKIGS